The following is an entry in ClinVar:

NM_015650.4(TRAF3IP1):c.1370G>A (p.Arg457Lys)

Gene: TRAF3IP1 (TRAF3 interacting protein 1; plus strand). Cytogenetic location: 2q37.3.
Variant type: single nucleotide variant.
Coding change: c.1370G>A on transcript NM_015650.4 (MANE Select); coding-DNA position 1370, G replaced by A.
Protein change: p.Arg457Lys; replaces arginine 457 with lysine.
Molecular consequence: missense variant.
Genome position (GRCh38, 1-based): chr2:238,349,327, G>A. VCF-style: chr2-238349327-G-A. GRCh37 (hg19) VCF-style: chr2-239257968-G-A.
Other names: c.1172G>A, p.Arg391Lys (NM_001139490.1); short protein forms R391K, R457K.
Identifiers: ClinVar variation 1015802 (VCV001015802.8), dbSNP rs1269315909, ClinGen allele CA351232213.
Genomic context (GRCh38, chr2:238,349,327, plus strand): 5'-GTTTGAAATGTATAAGCCTTTCATACTCCTTTTTTGGTTTTCCAATATTTGGGTTTAGAA[G>A]AATTCCTCGGCCTGGGAGTGCAAGACCAGCCCCTCCCCGGGTCAAACGGCAAGACAGCAT-3'
Protein context (NP_056465.2, residues 447-467): IPNELSSNIR[Arg457Lys]IPRPGSARPA

ClinVar aggregate classification (germline): Uncertain significance (1 of 4 stars; one submission).

Allele frequency attached by ClinVar (database versions not stated): TOPMed below 0.00001; gnomAD 0.00001.

Submission:

Labcorp Genetics (formerly Invitae), Labcorp
Classification: Uncertain significance. Last evaluated: 2020-09-09. Review status: criteria provided, single submitter. Criteria: Invitae Variant Classification Sherloc (09022015). Collection method: clinical testing. Allele origin: germline.
Comment: This sequence change replaces arginine with lysine at codon 457 of the TRAF3IP1 protein (p.Arg457Lys). The arginine residue is highly conserved and there is a small physicochemical difference between arginine and lysine. This variant is not present in population databases (ExAC no frequency). This variant has not been reported in the literature in individuals with TRAF3IP1-related conditions. Algorithms developed to predict the effect of missense changes on protein structure and function output the following: SIFT: "Tolerated"; PolyPhen-2: "Benign"; Align-GVGD: "Class C0". The lysine amino acid residue is found in multiple mammalian species, suggesting that this missense change does not adversely affect protein function. These predictions have not been confirmed by published functional studies and their clinical significance is uncertain. In summary, the available evidence is currently insufficient to determine the role of this variant in disease. Therefore, it has been classified as a Variant of Uncertain Significance.